The following is an entry in ClinVar:

NM_001142416.2(AIMP1):c.934A>C (p.Lys312Gln)

Gene: AIMP1 (aminoacyl tRNA synthetase complex interacting multifunctional protein 1; plus strand). Cytogenetic location: 4q24.
Variant type: single nucleotide variant.
Coding change: c.934A>C on transcript NM_001142416.2 (MANE Select); coding-DNA position 934, A replaced by C.
Protein change: p.Lys312Gln; replaces lysine 312 with glutamine.
Molecular consequence: missense variant.
Genome position (GRCh38, 1-based): chr4:106,347,687, A>C. VCF-style: chr4-106347687-A-C. GRCh37 (hg19) VCF-style: chr4-107268844-A-C.
Other names: c.934A>C, p.Lys312Gln (NM_001142415.2, NM_004757.4); c.934A>C (NM_004757.3); short protein forms K312Q.
Identifiers: ClinVar variation 1395907 (VCV001395907.9), dbSNP rs138429424, ClinGen allele CA103426062.

ClinVar aggregate classification (germline): Uncertain significance. Review status: criteria provided, multiple submitters, no conflicts (2 of 4 stars). 2 submissions from 2 submitters: Uncertain significance (2). Last evaluated 2024-09-25.

Conditions:
Inborn genetic diseases. Identifiers: MedGen C0950123, MeSH D030342.

Allele frequency attached by ClinVar (database versions not stated): gnomAD exomes below 0.00001; TOPMed below 0.00001; gnomAD 0.00001; ESP Exome Variant Server 0.00008.
gnomAD v4.1: 2 of 1,612,752 alleles (0.00012%); highest among the groups gnomAD compares: Non-Finnish European, 0.00017%; no homozygotes.

Submissions (2):

Ambry Genetics
Classification: Uncertain significance for Inborn genetic diseases. Last evaluated: 2024-09-25. Review status: criteria provided, single submitter. Criteria: Ambry Variant Classification Scheme 2023. Collection method: clinical testing. Allele origin: germline.

Labcorp Genetics (formerly Invitae), Labcorp
Classification: Uncertain significance. Last evaluated: 2021-12-03. Review status: criteria provided, single submitter. Criteria: Invitae Variant Classification Sherloc (09022015). Collection method: clinical testing. Allele origin: germline.
Comment: This sequence change replaces lysine, which is basic and polar, with glutamine, which is neutral and polar, at codon 312 of the AIMP1 protein (p.Lys312Gln). This variant is not present in population databases (gnomAD no frequency). This variant has not been reported in the literature in individuals affected with AIMP1-related conditions. Algorithms developed to predict the effect of missense changes on protein structure and function are either unavailable or do not agree on the potential impact of this missense change (SIFT: "Deleterious"; PolyPhen-2: "Benign"; Align-GVGD: "Class C0"). In summary, the available evidence is currently insufficient to determine the role of this variant in disease. Therefore, it has been classified as a Variant of Uncertain Significance.